The following is an entry in ClinVar:

NM_024334.3(TMEM43):c.347G>A (p.Arg116Gln)

Gene: TMEM43 (transmembrane protein 43; plus strand). Cytogenetic location: 3p25.1.
Variant type: single nucleotide variant.
Coding change: c.347G>A on transcript NM_024334.3 (MANE Select); coding-DNA position 347, G replaced by A.
Protein change: p.Arg116Gln; replaces arginine 116 with glutamine.
Molecular consequence: missense variant.
Genome position (GRCh38, 1-based): chr3:14,131,629, G>A. VCF-style: chr3-14131629-G-A. GRCh37 (hg19) VCF-style: chr3-14173129-G-A.
Other names: short protein forms R116Q.
Identifiers: ClinVar variation 264584 (VCV000264584.22), dbSNP rs143535006, ClinGen allele CA052998.

ClinVar aggregate classification (germline): Conflicting classifications of pathogenicity. Review status: criteria provided, conflicting classifications (1 of 4 stars). 7 submissions from 7 submitters: Uncertain significance (1); Benign (3); Likely benign (3). Last evaluated 2026-01-19.

Conditions:
Cardiovascular phenotype. Identifiers: MedGen CN230736.
Cardiomyopathy (CMYO). Also called: Cardiomyopathies. Identifiers: Orphanet 167848, MedGen C0878544, MONDO:0004994, HP:0001638. Inheritance: Various modes of inheritance.
Arrhythmogenic right ventricular dysplasia 5. Also called: Arrhythmogenic Right Ventricular Dysplasia/Cardiomyopathy 5; ARRHYTHMOGENIC RIGHT VENTRICULAR DYSPLASIA, FAMILIAL, 5. Identifiers: MedGen C1858379, MONDO:0011459, OMIM 604400.

Allele frequency attached by ClinVar (database versions not stated): gnomAD exomes 0.00005 and 0.00009; ExAC 0.00008; ESP Exome Variant Server 0.00015; 1000 Genomes Project 30x 0.00016; 1000 Genomes Project 0.00020; gnomAD 0.00021; TOPMed 0.00026.
gnomAD v4.1: 105 of 1,614,166 alleles (0.0065%); highest among the groups gnomAD compares: African/African-American, 0.079%; 1 homozygote.

Submissions (7):

Labcorp Genetics (formerly Invitae), Labcorp
Classification: Uncertain significance for Arrhythmogenic right ventricular dysplasia 5. Last evaluated: 2026-01-19. Review status: criteria provided, single submitter. Criteria: Invitae Variant Classification Sherloc (09022015). Collection method: clinical testing. Allele origin: germline.
Comment: This sequence change replaces arginine, which is basic and polar, with glutamine, which is neutral and polar, at codon 116 of the TMEM43 protein (p.Arg116Gln). This variant is present in population databases (rs143535006, gnomAD 0.06%), and has an allele count higher than expected for a pathogenic variant. This variant has not been reported in the literature in individuals affected with TMEM43-related conditions. ClinVar contains an entry for this variant (Variation ID: 264584). Invitae Evidence Modeling of protein sequence and biophysical properties (such as structural, functional, and spatial information, amino acid conservation, physicochemical variation, residue mobility, and thermodynamic stability) indicates that this missense variant is not expected to disrupt TMEM43 protein function with a negative predictive value of 80%. In summary, the available evidence is currently insufficient to determine the role of this variant in disease. Therefore, it has been classified as a Variant of Uncertain Significance.

Blueprint Genetics
Classification: Likely benign. Last evaluated: 2024-01-11. Review status: criteria provided, single submitter. Criteria: ACMG Guidelines, 2015. Collection method: clinical testing. Allele origin: germline.

Ambry Genetics
Classification: Benign for Cardiovascular phenotype. Last evaluated: 2022-04-08. Review status: criteria provided, single submitter. Criteria: Ambry Variant Classification Scheme 2023. Collection method: clinical testing. Allele origin: germline.

GeneDx
Classification: Likely benign. Last evaluated: 2021-03-08. Review status: criteria provided, single submitter. Criteria: GeneDx Variant Classification Process June 2021. Collection method: clinical testing. Allele origin: germline. Affected: yes.

Color Diagnostics, LLC DBA Color Health
Classification: Likely benign for Cardiomyopathy. Last evaluated: 2019-12-19. Review status: criteria provided, single submitter. Criteria: ACMG Guidelines, 2015. Collection method: clinical testing. Allele origin: germline.

Laboratory for Molecular Medicine, Mass General Brigham Personalized Medicine
Classification: Benign. Last evaluated: 2019-09-27. Review status: criteria provided, single submitter. Criteria: LMM Criteria. Collection method: clinical testing. Allele origin: germline. Observed: 1 variant allele.
Comment: The p.Arg116Gln variant in TMEM43 is classified as benign because it has been identified in 0.06% (17/24938) of African chromosomes and 1 homozygote by gnomAD. In addition, 3 mammals carry glutamine (Gln) at this position despite high nearby amino acid conservation. ACMG/AMP Criteria applied: BP4_Strong.ACMG/AMP Criteria applied: BS1, BP4_Strong.

Women's Health and Genetics/Laboratory Corporation of America, LabCorp
Classification: Benign. Last evaluated: 2018-07-09. Review status: criteria provided, single submitter. Criteria: LabCorp Variant Classification Summary - May 2015. Collection method: clinical testing. Allele origin: germline.
Comment: Variant summary: TMEM43 c.347G>A (p.Arg116Gln) results in a conservative amino acid change located outside of any known functional domain or repeat of the encoded protein sequence. Four of five in-silico tools predict a benign effect of the variant on protein function. The variant allele was found at a frequency of 9.4e-05 in 277098 control chromosomes, predominantly at a frequency of 0.00058 within the African subpopulation in the gnomAD database, including 1 homozygotes. The observed variant frequency within African control individuals in the gnomAD database is approximately 23.2 fold of the estimated maximal expected allele frequency for a pathogenic variant in TMEM43 causing Cardiomyopathy phenotype (2.5e-05), strongly suggesting that the variant is a benign polymorphism found primarily in populations of African origin. The c.347G>A has been reported in the literature in individuals affected with Cardiomyopathy. These report(s) do not provide unequivocal conclusions about association of the variant with Cardiomyopathy. Co-occurrences with other pathogenic variant(s) have been reported (TTR c.424G>A, p.Val142Ile), providing supporting evidence for a benign role. To our knowledge, no experimental evidence demonstrating an impact on protein function has been reported. Three clinical diagnostic laboratories have submitted clinical-significance assessments for this variant to ClinVar after 2014 without evidence for independent evaluation. Based on the evidence outlined above, the variant was classified as likely benign.

Literature cited by the submitters: PubMed 27153395 (cited by Women's Health and Genetics/Laboratory Corporation of America, LabCorp).